The following is an entry in ClinVar:

ClinVar aggregate classification (germline): Benign/Likely benign. Review status: criteria provided, multiple submitters, no conflicts (2 of 4 stars). 2 submissions from 2 submitters: Benign (1); Likely benign (1). Last evaluated 2025-01-08.

Conditions:
Lynch syndrome 5 (LYNCH5). Also called: Hereditary non-polyposis colorectal cancer, type 5; Colorectal cancer, hereditary nonpolyposis, type 5. Identifiers: Orphanet 144, MedGen C1833477, MONDO:0013710, OMIM 614350. Disease mechanism: loss of function.
Hereditary cancer-predisposing syndrome. Also called: Tumor predisposition; Hereditary Cancer Syndrome; Hereditary neoplastic syndrome; Neoplastic Syndromes, Hereditary. Identifiers: Orphanet 140162, MedGen C0027672, MeSH D009386, MONDO:0015356.

Submissions (2):

Myriad Genetics, Inc.
Classification: Benign for Lynch syndrome 5. Last evaluated: 2025-01-08. Review status: criteria provided, single submitter. Criteria: Myriad Autosomal Dominant, Autosomal Recessive and X-Linked Classification Criteria (2023). Collection method: clinical testing. Allele origin: unknown.
Comment: This variant is considered benign. This variant is a silent/synonymous amino acid change and it is not expected to impact splicing.

Ambry Genetics
Classification: Likely benign for Hereditary cancer-predisposing syndrome. Last evaluated: 2024-05-02. Review status: criteria provided, single submitter. Criteria: Ambry Variant Classification Scheme 2023. Collection method: clinical testing. Allele origin: germline.

NM_000179.3(MSH6):c.3975G>A (p.Lys1325=)

Gene: MSH6 (mutS homolog 6; plus strand). Cytogenetic location: 2p16.3.
Variant type: single nucleotide variant.
Coding change: c.3975G>A on transcript NM_000179.3 (MANE Select); coding-DNA position 3975, G replaced by A.
Protein change: p.Lys1325=; no amino-acid change (lysine 1325 retained).
Molecular consequence: synonymous variant. On other transcripts: missense variant (1), non-coding transcript variant (5), intron variant (1).
Genome position (GRCh38, 1-based): chr2:47,806,625, G>A. VCF-style: chr2-47806625-G-A. GRCh37 (hg19) VCF-style: chr2-48033764-G-A.
Other names: c.3585G>A, p.Lys1195= (NM_001281492.2); c.3069G>A, p.Lys1023= (NM_001281493.2, NM_001281494.2, NM_001406811.1 and 6 more transcripts); c.4071G>A, p.Lys1357= (NM_001406795.1); c.3975G>A, p.Lys1325= (NM_001406796.1, NM_001406808.1, NM_001406809.1); c.3678G>A, p.Lys1226= (NM_001406797.1, NM_001406801.1, NM_001406805.1 and 10 more transcripts); c.3801G>A, p.Lys1267= (NM_001406798.1); c.3450G>A, p.Lys1150= (NM_001406799.1, NM_001406806.1, NM_001406807.1); c.3962G>A, p.Arg1321Lys (NM_001406800.1); and 9 more; short protein forms R1321K.
Identifiers: ClinVar variation 3296386 (VCV003296386.2).